The following is an entry in ClinVar:

ClinVar aggregate classification (germline): Likely pathogenic. Review status: criteria provided, single submitter (1 of 4 stars). 2 submissions from 2 submitters: Likely pathogenic (1). 1 of the submissions does not count toward it. Last evaluated 2023-07-24.

Conditions:
MAP1B-related disorder. Also called: MAP1B-related condition.

Submissions (2):

GeneDx
Classification: Likely pathogenic. Last evaluated: 2023-07-24. Review status: criteria provided, single submitter. Criteria: GeneDx Variant Classification Process June 2021. Collection method: clinical testing. Allele origin: germline. Affected: yes.
Comment: Not observed at significant frequency in large population cohorts (gnomAD); In silico analysis supports that this missense variant does not alter protein structure/function; Has not been previously published as pathogenic or benign to our knowledge

PreventionGenetics, part of Exact Sciences
Classification: Uncertain significance for MAP1B-related condition. Last evaluated: 2024-02-07. Review status: no assertion criteria provided. Collection method: clinical testing. Allele origin: germline. Not counted in ClinVar's aggregate classification.
Comment: The MAP1B c.4967A>C variant is predicted to result in the amino acid substitution p.Gln1656Pro. To our knowledge, this variant has not been reported in the literature or in a large population database, indicating this variant is rare. At this time, the clinical significance of this variant is uncertain due to the absence of conclusive functional and genetic evidence.

NM_005909.5(MAP1B):c.4967A>C (p.Gln1656Pro)

Gene: MAP1B (microtubule associated protein 1B; plus strand). Cytogenetic location: 5q13.2.
Variant type: single nucleotide variant.
Coding change: c.4967A>C on transcript NM_005909.5 (MANE Select); coding-DNA position 4967, A replaced by C.
Protein change: p.Gln1656Pro; replaces glutamine 1656 with proline.
Molecular consequence: missense variant.
Genome position (GRCh38, 1-based): chr5:72,198,322, A>C. VCF-style: chr5-72198322-A-C. GRCh37 (hg19) VCF-style: chr5-71494149-A-C.
Other names: c.4589A>C, p.Gln1530Pro (NM_001324255.2); c.4967A>C (NM_005909.4); short protein forms Q1530P, Q1656P.
Identifiers: ClinVar variation 1722941 (VCV001722941.5), dbSNP rs1747234497, ClinGen allele CA360017597.